The following is an entry in ClinVar:

ClinVar aggregate classification (germline): Uncertain significance (1 of 4 stars; one submission).

Submission:

GeneDx
Classification: Uncertain significance. Last evaluated: 2026-09-17. Review status: criteria provided, single submitter. Criteria: GeneDx Variant Classification Process June 2021. Collection method: clinical testing. Allele origin: germline.
Comment: Frameshift variant predicted to result in protein truncation or nonsense mediated decay in a gene for which loss of function is a known mechanism of disease; Has not been previously published as pathogenic or benign to our knowledge

NM_001083962.2(TCF4):c.41_42del (p.Lys14fs)

Gene: TCF4 (transcription factor 4; minus strand). Cytogenetic location: 18q21.2.
Variant type: Deletion.
Coding change: c.41_42del on transcript NM_001083962.2 (MANE Select); coding-DNA positions 41 to 42, 2 bases deleted (AA; older notation c.41_42delAA).
Protein change: p.Lys14fs; shifts the reading frame from lysine 14.
Molecular consequence: frameshift variant. On other transcripts: intron variant (12).
Genome position (GRCh38, 1-based): chr18:55,587,075-55,587,076, TT deleted on the plus strand (AA on the coding strand, the reverse complement: TCF4 is on the minus strand); deleting any 2 consecutive bases within chr18:55,587,075-55,587,077 gives the same sequence; the c. name uses the placement nearest the transcript's 3' end. VCF-style (leftmost placement, unchanged base first): chr18-55587074-CTT-C. GRCh37 (hg19) VCF-style: chr18-53254305-CTT-C.
Other names: c.41_42del (NM_001083962.1); c.41_42del, p.Lys14fs (NM_001369573.1, NM_001369574.1, NM_003199.3 and 8 more transcripts); c.1-1724_1-1723del (NM_001369584.1, NM_001369576.1, NM_001369577.1 and 3 more transcripts); c.66+1394_66+1395del (NM_001243230.2); c.-1+962_-1+963del (NM_001369585.1, NM_001369578.1, NM_001369579.1 and 2 more transcripts); c.41_42delAA (NM_001083962.1); c.347_348del, p.Lys116fs (NM_001243226.3); short protein forms K14fs, K116fs.
Identifiers: ClinVar variation 817935 (VCV000817935.2), dbSNP rs1603624808, ClinGen allele CA915951561.